The following is an entry in ClinVar:

ClinVar aggregate classification (germline): Uncertain significance. Review status: criteria provided, multiple submitters, no conflicts (2 of 4 stars). 2 submissions from 2 submitters: Uncertain significance (2). Last evaluated 2025-08-18.

Conditions:
Inborn genetic diseases. Identifiers: MedGen C0950123, MeSH D030342.

Allele frequency attached by ClinVar (database versions not stated): gnomAD exomes 0.00002; gnomAD 0.00003; TOPMed 0.00004.
gnomAD v4.1: 14 of 1,600,232 alleles (0.00087%); highest among the groups gnomAD compares: Admixed American, 0.0017%; no homozygotes.

Submissions (2):

Labcorp Genetics (formerly Invitae), Labcorp
Classification: Uncertain significance. Last evaluated: 2025-08-18. Review status: criteria provided, single submitter. Criteria: Invitae Variant Classification Sherloc (09022015). Collection method: clinical testing. Allele origin: germline.
Comment: This sequence change replaces alanine, which is neutral and non-polar, with threonine, which is neutral and polar, at codon 158 of the TBXA2R protein (p.Ala158Thr). This variant is present in population databases (no rsID available, gnomAD 0.003%). This variant has not been reported in the literature in individuals affected with TBXA2R-related conditions. ClinVar contains an entry for this variant (Variation ID: 1942630). Invitae Evidence Modeling of protein sequence and biophysical properties (such as structural, functional, and spatial information, amino acid conservation, physicochemical variation, residue mobility, and thermodynamic stability) indicates that this missense variant is not expected to disrupt TBXA2R protein function with a negative predictive value of 80%. In summary, the available evidence is currently insufficient to determine the role of this variant in disease. Therefore, it has been classified as a Variant of Uncertain Significance.

Ambry Genetics
Classification: Uncertain significance for Inborn genetic diseases. Last evaluated: 2024-12-23. Review status: criteria provided, single submitter. Criteria: Ambry Variant Classification Scheme 2023. Collection method: clinical testing. Allele origin: germline.

NM_001060.6(TBXA2R):c.472G>A (p.Ala158Thr)

Gene: TBXA2R (thromboxane A2 receptor; minus strand). Cytogenetic location: 19p13.3.
Variant type: single nucleotide variant.
Coding change: c.472G>A on transcript NM_001060.6 (MANE Select); coding-DNA position 472, G replaced by A.
Protein change: p.Ala158Thr; replaces alanine 158 with threonine.
Molecular consequence: missense variant.
Genome position (GRCh38, 1-based): chr19:3,600,163, C>T on the plus strand (G>A on the coding strand, the complement: TBXA2R is on the minus strand). VCF-style: chr19-3600163-C-T. GRCh37 (hg19) VCF-style: chr19-3600161-C-T.
Other names: c.472G>A, p.Ala158Thr (NM_201636.3); short protein forms A158T.
Identifiers: ClinVar variation 1942630 (VCV001942630.6), dbSNP rs1454186022, ClinGen allele CA403334201.